The following is an entry in ClinVar:

NM_021096.4(CACNA1I):c.1405C>G (p.Pro469Ala)

Gene: CACNA1I (calcium voltage-gated channel subunit alpha1 I; plus strand). Cytogenetic location: 22q13.1.
Variant type: single nucleotide variant.
Coding change: c.1405C>G on transcript NM_021096.4 (MANE Select); coding-DNA position 1405, C replaced by G.
Protein change: p.Pro469Ala; replaces proline 469 with alanine.
Molecular consequence: missense variant.
Genome position (GRCh38, 1-based): chr22:39,646,824, C>G. VCF-style: chr22-39646824-C-G. GRCh37 (hg19) VCF-style: chr22-40042829-C-G.
Other names: c.1405C>G, p.Pro469Ala (NM_001003406.2); short protein forms P469A.
Identifiers: ClinVar variation 4976408 (VCV004976408.1).

ClinVar aggregate classification (germline): Uncertain significance (1 of 4 stars; one submission).

gnomAD v4.1: 5 of 1,543,340 alleles (0.00032%); highest among the groups gnomAD compares: Non-Finnish European, 0.00044%; no homozygotes.

Submission:

GeneDx
Classification: Uncertain significance. Last evaluated: 2026-02-07. Review status: criteria provided, single submitter. Criteria: GeneDx Variant Classification Process June 2021. Collection method: clinical testing. Allele origin: germline.
Comment: Not observed at significant frequency in large population cohorts (gnomAD); In silico analysis suggests that this missense variant does not alter protein structure/function; Has not been previously published as pathogenic or benign to our knowledge